The following is an entry in ClinVar:

NM_152564.5(VPS13B):c.6031T>G (p.Phe2011Val)

Gene: VPS13B (vacuolar protein sorting 13 homolog B; plus strand). Cytogenetic location: 8q22.2.
Variant type: single nucleotide variant.
Coding change: c.6031T>G on transcript NM_152564.5 (MANE Select); coding-DNA position 6031, T replaced by G.
Protein change: p.Phe2011Val; replaces phenylalanine 2011 with valine.
Molecular consequence: missense variant.
Genome position (GRCh38, 1-based): chr8:99,661,476, T>G. VCF-style: chr8-99661476-T-G. GRCh37 (hg19) VCF-style: chr8-100673704-T-G.
Other names: c.6106T>G, p.Phe2036Val (NM_017890.5); c.6031T>G (NM_152564.4); c.6106T>G (NM_017890.3); short protein forms F2011V, F2036V.
Identifiers: ClinVar variation 1060639 (VCV001060639.8), dbSNP rs534890892, ClinGen allele CA4823912.
Genomic context (GRCh38, chr8:99,661,476, plus strand): 5'-GGAGAAATAGACAGCAAAAGTGGTATTCCACCTTCCTTTATAACACTACAGATTAAAGAC[T>G]TTCTGAATGGACCAGGTAAGAAAGTCATAAAATTTACATGTGTGTACATTTTTTATGTGA-3'
Protein context (NP_689777.3, residues 2001-2021): PSFITLQIKD[Phe2011Val]LNGPADVNLD

ClinVar aggregate classification (germline): Uncertain significance. Review status: criteria provided, multiple submitters, no conflicts (2 of 4 stars). 4 submissions from 4 submitters: Uncertain significance (2). 2 of the submissions do not count toward it. Last evaluated 2025-05-04.

Conditions:
Cohen syndrome (COH1). Also called: PEPPER SYNDROME; Cutis verticis gyrata, retinitis pigmentosa, and sensorineural deafness. Identifiers: Orphanet 193, MedGen C0265223, MONDO:0008999, OMIM 216550.
VPS13B-related disorder. Also called: VPS13B-related condition.
Inborn genetic diseases. Identifiers: MedGen C0950123, MeSH D030342.

Allele frequency attached by ClinVar (database versions not stated): gnomAD 0.00002 and 0.00003; TOPMed 0.00002; ExAC 0.00003; gnomAD exomes 0.00004; 1000 Genomes Project 0.00020; 1000 Genomes Project 30x 0.00031.
gnomAD v4.1: 61 of 1,613,234 alleles (0.0038%); highest among the groups gnomAD compares: Admixed American, 0.01%; no homozygotes.

Submissions (4):

Ambry Genetics
Classification: Uncertain significance for Inborn genetic diseases. Last evaluated: 2025-05-04. Review status: criteria provided, single submitter. Criteria: Ambry Variant Classification Scheme 2023. Collection method: clinical testing. Allele origin: germline.

Labcorp Genetics (formerly Invitae), Labcorp
Classification: Uncertain significance for Cohen syndrome. Last evaluated: 2022-08-02. Review status: criteria provided, single submitter. Criteria: Invitae Variant Classification Sherloc (09022015). Collection method: clinical testing. Allele origin: germline.
Comment: This sequence change replaces phenylalanine, which is neutral and non-polar, with valine, which is neutral and non-polar, at codon 2036 of the VPS13B protein (p.Phe2036Val). This variant is present in population databases (rs534890892, gnomAD 0.01%). This variant has not been reported in the literature in individuals affected with VPS13B-related conditions. ClinVar contains an entry for this variant (Variation ID: 1060639). Algorithms developed to predict the effect of missense changes on protein structure and function are either unavailable or do not agree on the potential impact of this missense change (SIFT: "Not Available"; PolyPhen-2: "Possibly Damaging"; Align-GVGD: "Not Available"). In summary, the available evidence is currently insufficient to determine the role of this variant in disease. Therefore, it has been classified as a Variant of Uncertain Significance.

PreventionGenetics, part of Exact Sciences
Classification: Uncertain significance for VPS13B-related condition. Last evaluated: 2024-04-26. Review status: no assertion criteria provided. Collection method: clinical testing. Allele origin: germline. Not counted in ClinVar's aggregate classification.
Comment: The VPS13B c.6031T>G variant is predicted to result in the amino acid substitution p.Phe2011Val. To our knowledge, this variant has not been reported in the literature. This variant is reported in 0.015% of alleles in individuals of Latino descent in gnomAD. At this time, the clinical significance of this variant is uncertain due to the absence of conclusive functional and genetic evidence.

Natera, Inc.
Classification: Uncertain significance for Cohen syndrome. Last evaluated: 2020-04-08. Review status: no assertion criteria provided. Collection method: clinical testing. Allele origin: germline. Not counted in ClinVar's aggregate classification.